The following is an entry in ClinVar:

NM_001198533.2(OXR1):c.1957-11262G>A

Gene: OXR1 (oxidation resistance 1; plus strand). Cytogenetic location: 8q23.1.
Variant type: single nucleotide variant.
Coding change: c.1957-11262G>A on transcript NM_001198533.2 (MANE Select); 11262 bases into the intron before coding-DNA position 1957, G replaced by A.
Molecular consequence: intron variant. On other transcripts: nonsense (2).
Genome position (GRCh38, 1-based): chr8:106,726,258, G>A. VCF-style: chr8-106726258-G-A. GRCh37 (hg19) VCF-style: chr8-107738486-G-A.
Other names: c.15G>A, p.Trp5Ter (NM_001198534.1, NM_001198535.1); c.1956+12273G>A (NM_018002.3); c.1960-11262G>A (NM_001198532.1); c.1935+12273G>A (NM_181354.4); short protein forms W5*.
Identifiers: ClinVar variation 2434535 (VCV002434535.30), dbSNP rs145739822, ClinGen allele CA4840612.
Genomic context (GRCh38, chr8:106,726,258, plus strand): 5'-CAGTTCTTACGTGATTTTATGTAACTTAATTTGCCCTGGAAAGGAAATGTCTCGTCTCTG[G>A]TATGGGAAAAAAGGGAGAAGACATCAACCAATTAATCATAAATACACTCTGGTAAATCTT-3'

ClinVar aggregate classification (germline): Conflicting classifications of pathogenicity. Review status: criteria provided, conflicting classifications (1 of 4 stars). 5 submissions from 5 submitters: Likely pathogenic (1); Uncertain significance (1); Likely benign (2). 1 of the submissions does not count toward it. Last evaluated 2026-08-01.

Conditions:
Isolated cerebellar hypoplasia/agenesis (CHEGDD). Also called: Cerebellar hypoplasia/atrophy, epilepsy, and global developmental delay. Identifiers: Orphanet 1398, Orphanet 2246, MedGen C5231391, MONDO:0008939, OMIM 213000.
OXR1-related disorder. Also called: OXR1-related condition.

Allele frequency attached by ClinVar (database versions not stated): 1000 Genomes Project 0.00160; 1000 Genomes Project 30x 0.00172; ExAC 0.00274; TOPMed 0.00414; gnomAD 0.00437.
gnomAD v4.1: 7,773 of 1,527,028 alleles (0.51%); highest among the groups gnomAD compares: Non-Finnish European, 0.59%; 23 homozygotes.

Submissions (5):

CeGaT Center for Human Genetics Tuebingen
Classification: Likely benign. Last evaluated: 2026-08-01. Review status: criteria provided, single submitter. Criteria: CeGaT Center For Human Genetics Tuebingen Variant Classification Criteria Version 2. Collection method: clinical testing. Allele origin: germline. Affected: yes. Observed: 22 variant alleles.
Comment: OXR1: BS2

Revvity Omics, Revvity
Classification: Likely benign for Isolated cerebellar hypoplasia/agenesis. Last evaluated: 2025-02-20. Review status: criteria provided, single submitter. Criteria: ACMG Guidelines, 2015. Collection method: clinical testing. Allele origin: germline.

Department of Pathology and Laboratory Medicine, Sinai Health System
Classification: Uncertain significance for Isolated cerebellar hypoplasia/agenesis. Last evaluated: 2023-06-28. Review status: criteria provided, single submitter. Criteria: ACMG Guidelines, 2015. Collection method: research. Allele origin: germline.

Department of Pediatric Genetics, Istanbul University - Cerrahpasa
Classification: Likely pathogenic for Cerebellar hypoplasia/atrophy, epilepsy, and global developmental delay. Review status: criteria provided, single submitter. Criteria: ACMG Guidelines, 2015. Collection method: clinical testing. Allele origin: germline. Affected: yes.

PreventionGenetics, part of Exact Sciences
Classification: Likely benign for OXR1-related condition. Last evaluated: 2021-09-27. Review status: no assertion criteria provided. Collection method: clinical testing. Allele origin: germline. Not counted in ClinVar's aggregate classification.
Comment: This variant is classified as likely benign based on ACMG/AMP sequence variant interpretation guidelines (Richards et al. 2015 PMID: 25741868, with internal and published modifications).